The following is an entry in ClinVar:

ClinVar aggregate classification (germline): Uncertain significance (1 of 4 stars; one submission).

Conditions:
Holoprosencephaly 5 (HPE5). Identifiers: Orphanet 2162, MedGen C1864827, MONDO:0012322, OMIM 609637.

Submission:

Labcorp Genetics (formerly Invitae), Labcorp
Classification: Uncertain significance for Holoprosencephaly 5. Last evaluated: 2025-08-25. Review status: criteria provided, single submitter. Criteria: Invitae Variant Classification Sherloc (09022015). Collection method: clinical testing. Allele origin: germline.
Comment: This variant, c.273_284del, results in the deletion of 4 amino acid(s) of the ZIC2 protein (p.Ala94_Ala97del), but otherwise preserves the integrity of the reading frame. This variant is present in population databases (no rsID available, gnomAD 0.004%). This variant has not been reported in the literature in individuals affected with ZIC2-related conditions. ClinVar contains an entry for this variant (Variation ID: 2905405). Experimental studies and prediction algorithms are not available or were not evaluated, and the functional significance of this variant is currently unknown. In summary, the available evidence is currently insufficient to determine the role of this variant in disease. Therefore, it has been classified as a Variant of Uncertain Significance.

NM_007129.5(ZIC2):c.273_284del (p.Ala94_Ala97del)

Gene: ZIC2 (Zic family zinc finger 2; plus strand). Cytogenetic location: 13q32.3.
Variant type: Deletion.
Coding change: c.273_284del on transcript NM_007129.5 (MANE Select); coding-DNA positions 273 to 284, 12 bases deleted (TGCCGCTGCGGC).
Protein change: p.Ala94_Ala97del.
Molecular consequence: inframe deletion.
Genome position (GRCh38, 1-based): chr13:99,982,337-99,982,348, TGCCGCTGCGGC deleted; deleting any 12 consecutive bases within chr13:99,982,327-99,982,348 gives the same sequence; the c. name uses the placement nearest the transcript's 3' end. VCF-style (leftmost placement, unchanged base first): chr13-99982326-TCCGCTGCGGCTG-T. GRCh37 (hg19) VCF-style: chr13-100634580-TCCGCTGCGGCTG-T.
Identifiers: ClinVar variation 2905405 (VCV002905405.3), dbSNP rs1339942344, ClinGen allele CA612358330.